The following is an entry in ClinVar:

ClinVar aggregate classification (germline): Uncertain significance. Review status: criteria provided, multiple submitters, no conflicts (2 of 4 stars). 2 submissions from 2 submitters: Uncertain significance (2). Last evaluated 2025-11-16.

Conditions:
Gastrointestinal stromal tumor. Also called: Gastrointestinal stroma tumor; Gastrointestinal stromal tumor, somatic. Identifiers: Orphanet 44890, MedGen C0238198, MeSH D046152, MONDO:0011719, OMIM 606764, HP:0100723.
Hereditary cancer-predisposing syndrome. Also called: Hereditary Cancer Syndrome; Hereditary neoplastic syndrome; Neoplastic Syndromes, Hereditary; Tumor predisposition. Identifiers: Orphanet 140162, MedGen C0027672, MeSH D009386, MONDO:0015356.

Allele frequency attached by ClinVar (database versions not stated): gnomAD exomes below 0.00001.
gnomAD v4.1: 1 of 1,614,244 alleles (0.000062%); highest among the groups gnomAD compares: Non-Finnish European, 0.000085%; no homozygotes.

Submissions (2):

Ambry Genetics
Classification: Uncertain significance for Hereditary cancer-predisposing syndrome. Last evaluated: 2025-11-16. Review status: criteria provided, single submitter. Criteria: Ambry Variant Classification Scheme 2023. Collection method: clinical testing. Allele origin: germline.
Comment: The p.K43I variant (also known as c.128A>T), located in coding exon 2 of the KIT gene, results from an A to T substitution at nucleotide position 128. The lysine at codon 43 is replaced by isoleucine, an amino acid with dissimilar properties. This amino acid position is conserved. In addition, this alteration is predicted to be tolerated by in silico analysis. Based on the available evidence, the clinical significance of this variant remains unclear.

Labcorp Genetics (formerly Invitae), Labcorp
Classification: Uncertain significance for Gastrointestinal stromal tumor. Last evaluated: 2022-05-05. Review status: criteria provided, single submitter. Criteria: Invitae Variant Classification Sherloc (09022015). Collection method: clinical testing. Allele origin: germline.
Comment: In summary, the available evidence is currently insufficient to determine the role of this variant in disease. Therefore, it has been classified as a Variant of Uncertain Significance. This variant has not been reported in the literature in individuals affected with KIT-related conditions. This variant is not present in population databases (gnomAD no frequency). This sequence change replaces lysine, which is basic and polar, with isoleucine, which is neutral and non-polar, at codon 43 of the KIT protein (p.Lys43Ile). Algorithms developed to predict the effect of missense changes on protein structure and function (SIFT, PolyPhen-2, Align-GVGD) all suggest that this variant is likely to be tolerated.

NM_000222.3(KIT):c.128A>T (p.Lys43Ile)

Gene: KIT (KIT proto-oncogene, receptor tyrosine kinase; plus strand). Cytogenetic location: 4q12.
Variant type: single nucleotide variant.
Coding change: c.128A>T on transcript NM_000222.3 (MANE Select); coding-DNA position 128, A replaced by T.
Protein change: p.Lys43Ile; replaces lysine 43 with isoleucine.
Molecular consequence: missense variant.
Genome position (GRCh38, 1-based): chr4:54,695,572, A>T. VCF-style: chr4-54695572-A-T. GRCh37 (hg19) VCF-style: chr4-55561738-A-T.
Other names: c.128A>T, p.Lys43Ile (NM_001093772.2, NM_001385284.1, NM_001385285.1 and 4 more transcripts); short protein forms K43I.
Identifiers: ClinVar variation 2169737 (VCV002169737.4), dbSNP rs2475440555, ClinGen allele CA356896897.
Genomic context (GRCh38, chr4:54,695,572, plus strand): 5'-GCTCTTCTCAACCATCTGTGAGTCCAGGGGAACCGTCTCCACCATCCATCCATCCAGGAA[A>T]ATCAGACTTAATAGTCCGCGTGGGCGACGAGATTAGGCTGTTATGCACTGATCCGGGCTT-3'
Protein context (NP_000213.1, residues 33-53): EPSPPSIHPG[Lys43Ile]SDLIVRVGDE